The following is an entry in ClinVar:

NM_018489.3(ASH1L):c.8641C>T (p.Arg2881Trp)

Gene: ASH1L (ASH1 like histone lysine methyltransferase; minus strand). Cytogenetic location: 1q22.
Variant type: single nucleotide variant.
Coding change: c.8641C>T on transcript NM_018489.3 (MANE Select); coding-DNA position 8641, C replaced by T.
Protein change: p.Arg2881Trp; replaces arginine 2881 with tryptophan.
Molecular consequence: missense variant.
Genome position (GRCh38, 1-based): chr1:155,338,251, G>A on the plus strand (C>T on the coding strand, the complement: ASH1L is on the minus strand). VCF-style: chr1-155338251-G-A. GRCh37 (hg19) VCF-style: chr1-155308042-G-A.
Other names: c.8656C>T, p.Arg2886Trp (NM_001366177.2); short protein forms R2881W, R2886W.
Identifiers: ClinVar variation 2439242 (VCV002439242.7), dbSNP rs190341782, ClinGen allele CA1145825.

ClinVar aggregate classification (germline): Conflicting classifications of pathogenicity. Review status: criteria provided, conflicting classifications (1 of 4 stars). 2 submissions from 2 submitters: Uncertain significance (1); Likely benign (1). Last evaluated 2026-03-01.

Conditions:
Intellectual developmental disorder, autosomal dominant 52. Also called: Intellectual disability, autosomal dominant 52; Mental retardation, autosomal dominant 52. Identifiers: MedGen C4540478, MONDO:0030918, OMIM 617796.

Allele frequency attached by ClinVar (database versions not stated): gnomAD exomes 0.00002; ExAC 0.00005; TOPMed 0.00005; gnomAD 0.00007; 1000 Genomes Project 0.00040; 1000 Genomes Project 30x 0.00109.
gnomAD v4.1: 37 of 1,613,674 alleles (0.0023%); highest among the groups gnomAD compares: East Asian, 0.036%; no homozygotes.

Submissions (2):

CeGaT Center for Human Genetics Tuebingen
Classification: Likely benign. Last evaluated: 2026-03-01. Review status: criteria provided, single submitter. Criteria: CeGaT Center For Human Genetics Tuebingen Variant Classification Criteria Version 2. Collection method: clinical testing. Allele origin: germline. Affected: yes. Observed: 1 variant allele.
Comment: ASH1L: BP4, BS2

Revvity Omics, Revvity
Classification: Uncertain significance for Intellectual developmental disorder, autosomal dominant 52. Last evaluated: 2019-12-13. Review status: criteria provided, single submitter. Criteria: ACMG Guidelines, 2015. Collection method: clinical testing. Allele origin: germline.